The following is an entry in ClinVar:

ClinVar aggregate classification (germline): Conflicting classifications of pathogenicity. Review status: criteria provided, conflicting classifications (1 of 4 stars). 4 submissions from 4 submitters: Uncertain significance (3); Likely benign (1). Last evaluated 2025-10-07.

Conditions:
Hereditary nonpolyposis colorectal neoplasms. Identifiers: MedGen C0009405, MeSH D003123.
Hereditary cancer-predisposing syndrome. Also called: Hereditary neoplastic syndrome; Hereditary Cancer Syndrome; Neoplastic Syndromes, Hereditary; Tumor predisposition. Identifiers: Orphanet 140162, MedGen C0027672, MeSH D009386, MONDO:0015356.

Allele frequency attached by ClinVar (database versions not stated): TOPMed below 0.00001; gnomAD 0.00003.

Submissions (4):

Color Diagnostics, LLC DBA Color Health
Classification: Uncertain significance for Hereditary cancer-predisposing syndrome. Last evaluated: 2025-10-07. Review status: criteria provided, single submitter. Criteria: ACMG Guidelines, 2015. Collection method: clinical testing. Allele origin: germline.
Comment: This missense variant replaces serine with cysteine at codon 550 of the MSH6 protein. Computational prediction is inconclusive regarding the impact of this variant on protein structure and function. To our knowledge, functional studies have not been reported for this variant. This variant has not been reported in individuals affected with MSH6-related disorders in the literature. This variant has not been identified in the general population by the Genome Aggregation Database (gnomAD). The available evidence is insufficient to determine the role of this variant in disease conclusively. Therefore, this variant is classified as a Variant of Uncertain Significance.

Labcorp Genetics (formerly Invitae), Labcorp
Classification: Likely benign for Hereditary nonpolyposis colorectal neoplasms. Last evaluated: 2024-07-23. Review status: criteria provided, single submitter. Criteria: Invitae Variant Classification Sherloc (09022015). Collection method: clinical testing. Allele origin: germline.

GeneDx
Classification: Uncertain significance. Last evaluated: 2023-11-10. Review status: criteria provided, single submitter. Criteria: GeneDx Variant Classification Process June 2021. Collection method: clinical testing. Allele origin: germline. Affected: yes.
Comment: Not observed at significant frequency in large population cohorts (gnomAD); In silico analysis supports that this missense variant has a deleterious effect on protein structure/function; Identified in an individual with breast cancer (PMID: 35402282); This variant is associated with the following publications: (PMID: 17531815, 21120944, 35402282)

Ambry Genetics
Classification: Uncertain significance for Hereditary cancer-predisposing syndrome. Last evaluated: 2019-07-31. Review status: criteria provided, single submitter. Criteria: Ambry Variant Classification Scheme 2023. Collection method: clinical testing. Allele origin: germline.
Comment: The p.S550C variant (also known as c.1649C>G), located in coding exon 4 of the MSH6 gene, results from a C to G substitution at nucleotide position 1649. The serine at codon 550 is replaced by cysteine, an amino acid with dissimilar properties. This amino acid position is well conserved in available vertebrate species. In addition, the in silico prediction for this alteration is inconclusive. Since supporting evidence is limited at this time, the clinical significance of this alteration remains unclear.

NM_000179.3(MSH6):c.1649C>G (p.Ser550Cys)

Gene: MSH6 (mutS homolog 6; plus strand). Cytogenetic location: 2p16.3.
Variant type: single nucleotide variant.
Coding change: c.1649C>G on transcript NM_000179.3 (MANE Select); coding-DNA position 1649, C replaced by G.
Protein change: p.Ser550Cys; replaces serine 550 with cysteine.
Molecular consequence: missense variant.
Genome position (GRCh38, 1-based): chr2:47,799,632, C>G. VCF-style: chr2-47799632-C-G. GRCh37 (hg19) VCF-style: chr2-48026771-C-G.
Other names: c.1259C>G, p.Ser420Cys (NM_001281492.2); c.743C>G, p.Ser248Cys (NM_001281493.2, NM_001281494.2); short protein forms S550C, S420C, S248C.
Identifiers: ClinVar variation 237142 (VCV000237142.18), dbSNP rs878853710, ClinGen allele CA10582055.